The following is an entry in ClinVar:

NM_001365068.1(ASTN2):c.541G>A (p.Gly181Arg)

Gene: ASTN2 (astrotactin 2; minus strand). Cytogenetic location: 9q33.1.
Variant type: single nucleotide variant.
Coding change: c.541G>A on transcript NM_001365068.1 (MANE Select); coding-DNA position 541, G replaced by A.
Protein change: p.Gly181Arg; replaces glycine 181 with arginine.
Molecular consequence: missense variant.
Genome position (GRCh38, 1-based): chr9:117,291,415, C>T on the plus strand (G>A on the coding strand, the complement: ASTN2 is on the minus strand). VCF-style: chr9-117291415-C-T. GRCh37 (hg19) VCF-style: chr9-120053694-C-T.
Other names: c.541G>A, p.Gly181Arg (NM_001365069.1, NM_014010.5); short protein forms G181R.
Identifiers: ClinVar variation 3047976 (VCV003047976.2), dbSNP rs201291249, ClinGen allele CA5212002.

ClinVar aggregate classification (germline): Likely benign (0 of 4 stars; one submission).

Conditions:
ASTN2-related disorder. Also called: ASTN2-related condition.

Allele frequency attached by ClinVar (database versions not stated): gnomAD 0.00117; ESP Exome Variant Server 0.00008; TOPMed 0.00010; 1000 Genomes Project 30x 0.00062; 1000 Genomes Project 0.00080; ExAC 0.00102.
gnomAD v4.1: 1,146 of 1,614,224 alleles (0.071%); highest among the groups gnomAD compares: East Asian, 0.33%; 11 homozygotes.

Submission:

PreventionGenetics, part of Exact Sciences
Classification: Likely benign for ASTN2-related condition. Last evaluated: 2019-04-15. Review status: no assertion criteria provided. Collection method: clinical testing. Allele origin: germline.
Comment: This variant is classified as likely benign based on ACMG/AMP sequence variant interpretation guidelines (Richards et al. 2015 PMID: 25741868, with internal and published modifications).